The following is an entry in ClinVar:

ClinVar aggregate classification (germline): Uncertain significance (1 of 4 stars; one submission).

Conditions:
Inborn genetic diseases. Identifiers: MedGen C0950123, MeSH D030342.

Submission:

Ambry Genetics
Classification: Uncertain significance for Inborn genetic diseases. Last evaluated: 2025-10-25. Review status: criteria provided, single submitter. Criteria: Ambry Variant Classification Scheme 2023. Collection method: clinical testing. Allele origin: germline.
Comment: The p.D118G variant (also known as c.353A>G), located in coding exon 4 of the BUB1B gene, results from an A to G substitution at nucleotide position 353. The aspartic acid at codon 118 is replaced by glycine, an amino acid with similar properties. This amino acid position is conserved. In addition, this alteration is predicted to be deleterious by in silico analysis. Based on the available evidence, the clinical significance of this variant remains unclear.

NM_001211.6(BUB1B):c.353A>G (p.Asp118Gly)

Gene: BUB1B (BUB1 mitotic checkpoint serine/threonine kinase B; plus strand). Cytogenetic location: 15q15.1.
Variant type: single nucleotide variant.
Coding change: c.353A>G on transcript NM_001211.6 (MANE Select); coding-DNA position 353, A replaced by G.
Protein change: p.Asp118Gly; replaces aspartic acid 118 with glycine.
Molecular consequence: missense variant.
Genome position (GRCh38, 1-based): chr15:40,170,650, A>G. VCF-style: chr15-40170650-A-G. GRCh37 (hg19) VCF-style: chr15-40462851-A-G.
Other names: short protein forms D118G.
Identifiers: ClinVar variation 4600426 (VCV004600426.1).